The following is an entry in ClinVar:

ClinVar aggregate classification (germline): Uncertain significance. Review status: criteria provided, multiple submitters, no conflicts (2 of 4 stars). 2 submissions from 2 submitters: Uncertain significance (2). Last evaluated 2025-10-22.

Conditions:
Hereditary cancer-predisposing syndrome. Also called: Tumor predisposition; Hereditary neoplastic syndrome; Neoplastic Syndromes, Hereditary; Hereditary Cancer Syndrome. Identifiers: Orphanet 140162, MedGen C0027672, MeSH D009386, MONDO:0015356.
EGFR-related lung cancer (EGFR). Identifiers: MedGen CN130014.

Submissions (2):

Ambry Genetics
Classification: Uncertain significance for Hereditary cancer-predisposing syndrome. Last evaluated: 2025-10-22. Review status: criteria provided, single submitter. Criteria: Ambry Variant Classification Scheme 2023. Collection method: clinical testing. Allele origin: germline.
Comment: The p.I475M variant (also known as c.1425A>G), located in coding exon 12 of the EGFR gene, results from an A to G substitution at nucleotide position 1425. The isoleucine at codon 475 is replaced by methionine, an amino acid with highly similar properties. This amino acid position is conserved. In addition, this alteration is predicted to be tolerated by in silico analysis. Based on the available evidence, the clinical significance of this variant remains unclear.

Labcorp Genetics (formerly Invitae), Labcorp
Classification: Uncertain significance for EGFR-related lung cancer. Last evaluated: 2021-04-21. Review status: criteria provided, single submitter. Criteria: Invitae Variant Classification Sherloc (09022015). Collection method: clinical testing. Allele origin: germline.
Comment: In summary, the available evidence is currently insufficient to determine the role of this variant in disease. Therefore, it has been classified as a Variant of Uncertain Significance. Algorithms developed to predict the effect of missense changes on protein structure and function (SIFT, PolyPhen-2, Align-GVGD) all suggest that this variant is likely to be tolerated, but these predictions have not been confirmed by published functional studies and their clinical significance is uncertain. This variant has not been reported in the literature in individuals with EGFR-related conditions. This variant is not present in population databases (ExAC no frequency). This sequence change replaces isoleucine with methionine at codon 475 of the EGFR protein (p.Ile475Met). The isoleucine residue is moderately conserved and there is a small physicochemical difference between isoleucine and methionine.

NM_005228.5(EGFR):c.1425A>G (p.Ile475Met)

Gene: EGFR (epidermal growth factor receptor; plus strand). Cytogenetic location: 7p11.2.
Variant type: single nucleotide variant.
Coding change: c.1425A>G on transcript NM_005228.5 (MANE Select); coding-DNA position 1425, A replaced by G.
Protein change: p.Ile475Met; replaces isoleucine 475 with methionine.
Molecular consequence: missense variant.
Genome position (GRCh38, 1-based): chr7:55,160,265, A>G. VCF-style: chr7-55160265-A-G. GRCh37 (hg19) VCF-style: chr7-55227958-A-G.
Other names: c.1425A>G (NM_005228.3); c.1290A>G, p.Ile430Met (NM_001346897.2, NM_001346899.2); c.1425A>G, p.Ile475Met (NM_001346898.2, NM_201282.2, NM_201284.2); c.1266A>G, p.Ile422Met (NM_001346900.2); c.624A>G, p.Ile208Met (NM_001346941.2); short protein forms I208M, I422M, I430M, I475M.
Identifiers: ClinVar variation 1361784 (VCV001361784.9), dbSNP rs1021252393, ClinGen allele CA158917186.